The following is an entry in ClinVar:

NM_001206927.2(DNAH8):c.10180G>T (p.Ala3394Ser)

Genes: DNAH8 (dynein axonemal heavy chain 8; plus strand), DNAH8-AS1 (DNAH8 antisense RNA 1; minus strand). Cytogenetic location: 6p21.2.
Variant type: single nucleotide variant.
Coding change: c.10180G>T on transcript NM_001206927.2 (MANE Select); coding-DNA position 10180, G replaced by T.
Protein change: p.Ala3394Ser; replaces alanine 3394 with serine.
Molecular consequence: missense variant.
Genome position (GRCh38, 1-based): chr6:38,917,278, G>T. VCF-style: chr6-38917278-G-T. GRCh37 (hg19) VCF-style: chr6-38885054-G-T.
Other names: c.9529G>T, p.Ala3177Ser (NM_001371.4); short protein forms A3177S, A3394S.
Identifiers: ClinVar variation 4797201 (VCV004797201.1).

ClinVar aggregate classification (germline): Uncertain significance (1 of 4 stars; one submission).

Conditions:
Primary ciliary dyskinesia. Also called: Ciliary dyskinesia. Identifiers: Orphanet 244, MedGen C0008780, MONDO:0016575, HP:0012265.

Submission:

Labcorp Genetics (formerly Invitae), Labcorp
Classification: Uncertain significance for Primary ciliary dyskinesia. Last evaluated: 2025-09-29. Review status: criteria provided, single submitter. Criteria: Invitae Variant Classification Sherloc (09022015). Collection method: clinical testing. Allele origin: germline.
Comment: This sequence change replaces alanine, which is neutral and non-polar, with serine, which is neutral and polar, at codon 3394 of the DNAH8 protein (p.Ala3394Ser). This variant is not present in population databases (gnomAD no frequency). This variant has not been reported in the literature in individuals affected with DNAH8-related conditions. Invitae Evidence Modeling of protein sequence and biophysical properties (such as structural, functional, and spatial information, amino acid conservation, physicochemical variation, residue mobility, and thermodynamic stability) indicates that this missense variant is not expected to disrupt DNAH8 protein function with a negative predictive value of 80%. In summary, the available evidence is currently insufficient to determine the role of this variant in disease. Therefore, it has been classified as a Variant of Uncertain Significance.